The following is an entry in ClinVar:

NM_020207.7(ERCC6L2):c.24C>T (p.Pro8=)

Gene: ERCC6L2 (ERCC excision repair 6 like 2; plus strand). Cytogenetic location: 9q22.32.
Variant type: single nucleotide variant.
Coding change: c.24C>T on transcript NM_020207.7 (MANE Select); coding-DNA position 24, C replaced by T.
Protein change: p.Pro8=; no amino-acid change (proline 8 retained).
Molecular consequence: synonymous variant. On other transcripts: non-coding transcript variant (1).
Genome position (GRCh38, 1-based): chr9:95,876,062, C>T. VCF-style: chr9-95876062-C-T. GRCh37 (hg19) VCF-style: chr9-98638344-C-T.
Other names: c.24C>T, p.Pro8= (NM_001010895.4, NM_001375291.1, NM_001375292.1 and 2 more transcripts).
Identifiers: ClinVar variation 3057172 (VCV003057172.3), dbSNP rs765604584, ClinGen allele CA466112949.

ClinVar aggregate classification (germline): Likely benign. Review status: criteria provided, single submitter (1 of 4 stars). 2 submissions from 2 submitters: Likely benign (1). 1 of the submissions does not count toward it. Last evaluated 2024-12-04.

Conditions:
Inborn genetic diseases. Identifiers: MedGen C0950123, MeSH D030342.
ERCC6L2-related disorder. Also called: ERCC6L2-related condition.

gnomAD v4.1: 3 of 1,584,744 alleles (0.00019%); highest among the groups gnomAD compares: South Asian, 0.0023%; no homozygotes.

Submissions (2):

Ambry Genetics
Classification: Likely benign for Inborn genetic diseases. Last evaluated: 2024-12-04. Review status: criteria provided, single submitter. Criteria: Ambry Variant Classification Scheme 2023. Collection method: clinical testing. Allele origin: germline.

PreventionGenetics, part of Exact Sciences
Classification: Likely benign for ERCC6L2-related condition. Last evaluated: 2021-05-26. Review status: no assertion criteria provided. Collection method: clinical testing. Allele origin: germline. Not counted in ClinVar's aggregate classification.
Comment: This variant is classified as likely benign based on ACMG/AMP sequence variant interpretation guidelines (Richards et al. 2015 PMID: 25741868, with internal and published modifications).